The following is an entry in ClinVar:

ClinVar aggregate classification (germline): Uncertain significance (1 of 4 stars; one submission).

Conditions:
Hereditary cancer-predisposing syndrome. Also called: Neoplastic Syndromes, Hereditary; Tumor predisposition; Hereditary Cancer Syndrome; Hereditary neoplastic syndrome. Identifiers: Orphanet 140162, MedGen C0027672, MeSH D009386, MONDO:0015356.

Submission:

Ambry Genetics
Classification: Uncertain significance for Hereditary cancer-predisposing syndrome. Last evaluated: 2021-06-17. Review status: criteria provided, single submitter. Criteria: Ambry Variant Classification Scheme 2023. Collection method: clinical testing. Allele origin: germline.
Comment: The p.T282A variant (also known as c.844A>G), located in coding exon 5 of the MSH3 gene, results from an A to G substitution at nucleotide position 844. The threonine at codon 282 is replaced by alanine, an amino acid with similar properties. This amino acid position is highly conserved in available vertebrate species. In addition, the in silico prediction for this alteration is inconclusive. Since supporting evidence is limited at this time, the clinical significance of this alteration remains unclear.

NM_002439.5(MSH3):c.844A>G (p.Thr282Ala)

Gene: MSH3 (mutS homolog 3; plus strand). Cytogenetic location: 5q14.1.
Variant type: single nucleotide variant.
Coding change: c.844A>G on transcript NM_002439.5 (MANE Select); coding-DNA position 844, A replaced by G.
Protein change: p.Thr282Ala; replaces threonine 282 with alanine.
Molecular consequence: missense variant.
Genome position (GRCh38, 1-based): chr5:80,672,295, A>G. VCF-style: chr5-80672295-A-G. GRCh37 (hg19) VCF-style: chr5-79968114-A-G.
Other names: short protein forms T282A.
Identifiers: ClinVar variation 1763421 (VCV001763421.2), dbSNP rs2112813785, ClinGen allele CA360267166.